The following is an entry in ClinVar:

ClinVar aggregate classification (germline): Uncertain significance (1 of 4 stars; one submission).

Conditions:
Retinoblastoma (RB1). Also called: RETINOBLASTOMA, SOMATIC. Identifiers: Orphanet 790, MedGen C0035335, MeSH D012175, MONDO:0008380, OMIM 180200, HP:0009919. Disease mechanism: loss of function. Inheritance: Both sporadic and heritable forms are tested..

Submission:

Labcorp Genetics (formerly Invitae), Labcorp
Classification: Uncertain significance for Retinoblastoma. Last evaluated: 2025-01-21. Review status: criteria provided, single submitter. Criteria: Invitae Variant Classification Sherloc (09022015). Collection method: clinical testing. Allele origin: germline.
Comment: This variant occurs in a non-coding region of the RB1 gene. It does not change the encoded amino acid sequence of the RB1 protein. Information on the frequency of this variant in the gnomAD database is not available, as this variant may be reported differently in the database. This variant has not been reported in the literature in individuals affected with RB1-related conditions. Experimental studies and prediction algorithms are not available or were not evaluated, and the functional significance of this variant is currently unknown. In summary, the available evidence is currently insufficient to determine the role of this variant in disease. Therefore, it has been classified as a Variant of Uncertain Significance.

NM_000321.3(RB1):c.-25_-24delinsGG

Gene: RB1 (RB transcriptional corepressor 1; plus strand). Cytogenetic location: 13q14.2.
Variant type: Indel.
Coding change: c.-25_-24delinsGG on transcript NM_000321.3 (MANE Select); 25 bases upstream of the start codon through 24 bases upstream of the start codon, CT replaced by GG.
Molecular consequence: 5 prime UTR variant.
Genome position (GRCh38, 1-based): chr13:48,303,888-48,303,889, CT replaced by GG. VCF-style: chr13-48303888-CT-GG. GRCh37 (hg19) VCF-style: chr13-48878024-CT-GG.
Other names: c.-25_-24delinsGG (NM_001407165.1, NM_001407166.1, NM_001407167.1).
Identifiers: ClinVar variation 3729288 (VCV003729288.2).